The following is an entry in ClinVar:

NM_206933.4(USH2A):c.8851C>G (p.Gln2951Glu)

Gene: USH2A (usherin; minus strand). Cytogenetic location: 1q41.
Variant type: single nucleotide variant.
Coding change: c.8851C>G on transcript NM_206933.4 (MANE Select); coding-DNA position 8851, C replaced by G.
Protein change: p.Gln2951Glu; replaces glutamine 2951 with glutamic acid.
Molecular consequence: missense variant.
Genome position (GRCh38, 1-based): chr1:215,846,028, G>C on the plus strand (C>G on the coding strand, the complement: USH2A is on the minus strand). VCF-style: chr1-215846028-G-C. GRCh37 (hg19) VCF-style: chr1-216019370-G-C.
Other names: short protein forms Q2951E.
Identifiers: ClinVar variation 438029 (VCV000438029.16), dbSNP rs201394390, ClinGen allele CA37444521.

ClinVar aggregate classification (germline): Uncertain significance. Review status: criteria provided, multiple submitters, no conflicts (2 of 4 stars). 9 submissions from 8 submitters: Uncertain significance (6). 3 of the submissions do not count toward it. Last evaluated 2024-09-23.

Conditions:
Retinitis pigmentosa 39 (RP39). Identifiers: Orphanet 791, MedGen C3151138, MONDO:0013436, OMIM 613809.
Usher syndrome type 2A. Also called: RETINAL DISEASE IN USHER SYNDROME TYPE IIA, MODIFIER OF; USHER SYNDROME, TYPE IIA. Identifiers: Orphanet 231178, Orphanet 886, MedGen C1848634, MONDO:0010169, OMIM 276901.
Retinitis pigmentosa (RP). Identifiers: Orphanet 791, MedGen C0035334, MeSH D012174, MONDO:0019200, OMIM 268000. Inheritance: Autosomal dominant, autosomal recessive and X linked inheritance.

Allele frequency attached by ClinVar (database versions not stated): gnomAD 0.00001.
gnomAD v4.1: 2 of 1,608,758 alleles (0.00012%); highest among the groups gnomAD compares: East Asian, 0.0022%; no homozygotes.

Submissions (9):

Labcorp Genetics (formerly Invitae), Labcorp
Classification: Uncertain significance. Last evaluated: 2024-09-23. Review status: criteria provided, single submitter. Criteria: Invitae Variant Classification Sherloc (09022015). Collection method: clinical testing. Allele origin: germline.
Comment: This sequence change replaces glutamine, which is neutral and polar, with glutamic acid, which is acidic and polar, at codon 2951 of the USH2A protein (p.Gln2951Glu). This variant is present in population databases (rs201394390, gnomAD 0.01%). This missense change has been observed in individual(s) with retinitis pigmentosa (PMID: 28041643). ClinVar contains an entry for this variant (Variation ID: 438029). Invitae Evidence Modeling of protein sequence and biophysical properties (such as structural, functional, and spatial information, amino acid conservation, physicochemical variation, residue mobility, and thermodynamic stability) indicates that this missense variant is not expected to disrupt USH2A protein function with a negative predictive value of 95%. In summary, the available evidence is currently insufficient to determine the role of this variant in disease. Therefore, it has been classified as a Variant of Uncertain Significance.

Genome-Nilou Lab
Classification: Uncertain significance for Retinitis pigmentosa 39. Last evaluated: 2023-11-04. Review status: criteria provided, single submitter. Criteria: ACMG Guidelines, 2015. Collection method: clinical testing. Allele origin: germline. Affected: no.

Genome-Nilou Lab
Classification: Uncertain significance for Usher syndrome type 2A. Last evaluated: 2023-11-04. Review status: criteria provided, single submitter. Criteria: ACMG Guidelines, 2015. Collection method: clinical testing. Allele origin: germline. Affected: no.

GeneDx
Classification: Uncertain significance. Last evaluated: 2023-06-02. Review status: criteria provided, single submitter. Criteria: GeneDx Variant Classification Process June 2021. Collection method: clinical testing. Allele origin: germline. Affected: yes.
Comment: Not observed at significant frequency in large population cohorts (gnomAD); In silico analysis supports that this missense variant does not alter protein structure/function; This variant is associated with the following publications: (PMID: 28041643)

Blueprint Genetics
Classification: Uncertain significance. Last evaluated: 2021-06-28. Review status: criteria provided, single submitter. Criteria: ACMG Guidelines, 2015. Collection method: clinical testing. Allele origin: germline.

Laboratory for Molecular Medicine, Mass General Brigham Personalized Medicine
Classification: Uncertain significance. Last evaluated: 2019-02-05. Review status: criteria provided, single submitter. Criteria: LMM Criteria. Collection method: clinical testing. Allele origin: germline. Observed: 1 variant allele.
Comment: The p.Gln2951Glu variant in USH2A has been reported in 1 individual with retinitis pigmentosa who also had two additional variants of uncertain significance in USH2A (Carss 2017). This variant has been reported in ClinVar (Variation ID 438029), and it has also been identified in 0.01% (1/8708) of African chromosomes by gnomAD. Computational prediction tools and conservation analysis do not provide strong support for or against an impact to the protein. In summary, the clinical significance of this variant is uncertain. ACMG/AMP Criteria applied: PM2_Supporting.

Natera, Inc.
Classification: Uncertain significance for Usher syndrome type 2A. Last evaluated: 2020-09-29. Review status: no assertion criteria provided. Collection method: clinical testing. Allele origin: germline. Not counted in ClinVar's aggregate classification.

Counsyl
Classification: Uncertain significance for Usher syndrome type 2A; Retinitis pigmentosa 39. Last evaluated: 2017-10-06. Review status: no assertion criteria provided. Collection method: clinical testing. Allele origin: unknown. Not counted in ClinVar's aggregate classification.

NIHR Bioresource Rare Diseases, University of Cambridge
Classification: Uncertain significance for Retinitis pigmentosa. Last evaluated: 2015-01-01. Review status: no assertion criteria provided. Collection method: research. Allele origin: unknown. Affected: yes. Observed: 1 variant allele. Not counted in ClinVar's aggregate classification.

Literature cited by the submitters: PubMed 28041643 (cited by 4 submitters).